The following is an entry in ClinVar:

ClinVar aggregate classification (germline): Conflicting classifications of pathogenicity. Review status: criteria provided, conflicting classifications (1 of 4 stars). 9 submissions from 6 submitters: Uncertain significance (6); Likely benign (3). Last evaluated 2025-12-02.

Conditions:
Hb SS disease (SCD). Also called: Sickle cell anemia; Hemoglobin SS; Sickle cell disease; HbS disease; Hemoglobin S Disease; Sickling disorder due to hemoglobin S. Identifiers: Orphanet 232, Orphanet 275752, MedGen C0002895, MONDO:0011382, OMIM 603903.
beta Thalassemia (BTHAL). Also called: Cooley's anemia; Erythroblastic anemia; Mediterranean anemia. Identifiers: Orphanet 848, MedGen C0005283, MONDO:0019402. Disease mechanism: loss of function.
Hemoglobin E. Identifiers: MedGen C3889325.
Fetal hemoglobin quantitative trait locus 1 (HBFQTL1). Identifiers: Orphanet 251380, MedGen C1841621.
Inborn genetic diseases. Identifiers: MedGen C0950123, MeSH D030342.

Allele frequency attached by ClinVar (database versions not stated): gnomAD 0.00001 and 0.00005; TOPMed 0.00001; gnomAD exomes 0.00002 and 0.00016; ExAC 0.00004.

Submissions (9):

Labcorp Genetics (formerly Invitae), Labcorp
Classification: Likely benign. Last evaluated: 2025-12-02. Review status: criteria provided, single submitter. Criteria: Invitae Variant Classification Sherloc (09022015). Collection method: clinical testing. Allele origin: germline.

Quest Diagnostics Nichols Institute San Juan Capistrano
Classification: Uncertain significance. Last evaluated: 2024-10-28. Review status: criteria provided, single submitter. Criteria: Quest Diagnostics criteria. Collection method: clinical testing. Allele origin: unknown.
Comment: The HBB c.274C>T (p.Leu92=) synonymous variant (also known as CD 91 CTG>TTG) has been reported to occur in cis with a pathogenic HBB splice variant in individuals with clinical features of beta-thalassemia minor (PMIDs: 8091935 (1994), 12144056 (2002)). The frequency of this variant in the general population, 0.00027 (5/18386 chromosomes (Genome Aggregation Database)), is uninformative in the assessment of its pathogenicity. Analysis of this variant using software algorithms for the prediction of the effect of nucleotide changes on HBB mRNA splicing yielded predictions that this variant may result in the gain of a cryptic splice site without affecting the natural splice sites Based on the available information, we are unable to determine the clinical significance of this variant.

Ambry Genetics
Classification: Likely benign for Inborn genetic diseases. Last evaluated: 2024-05-30. Review status: criteria provided, single submitter. Criteria: Ambry Variant Classification Scheme 2023. Collection method: clinical testing. Allele origin: germline.

Women's Health and Genetics/Laboratory Corporation of America, LabCorp
Classification: Likely benign. Last evaluated: 2019-08-28. Review status: criteria provided, single submitter. Criteria: LabCorp Variant Classification Summary - May 2015. Collection method: clinical testing. Allele origin: germline.

ARUP Laboratories, Molecular Genetics and Genomics, ARUP Laboratories
Classification: Uncertain significance. Last evaluated: 2018-02-07. Review status: criteria provided, single submitter. Criteria: ARUP Molecular Germline Variant Investigation Process. Collection method: clinical testing. Allele origin: germline.
Comment: The HBB c.274C>T; Leu91Leu variant (rs769583496) has been observed in Korean and Japanese individuals harboring a pathogenic allele (Park 2002, Wakamatsu 1994); it is not definitive whether these variants were confirmed to be in cis by molecular analyses, but they are reported as linked variants in the Japanese population. Erythrocyte indices (Hb, HbA2, HbF, MCV, MCH) in four individuals reported by Wakamatsu et al are most consistent with beta-thalassemia minor. This variant is reported in ClinVar (Variation ID: 439144) and is observed in the general population at a low overall frequency of 0.003% (7/246192 alleles, 6 alleles in East Asian population) in the Genome Aggregation Database. This is a synonymous change, the nucleotide is moderately conserved, and computational algorithms (SpliceSiteFinder-like, MaxEntScan, NNSplice, GeneSplicer, Human Splicing Finder) predict that this variant may impact splicing by strengthening a nearby cryptic donor site. However, given the lack of clinical and functional data, the significance of this variant on its own cannot be determined with certainty. References: Park S et al. Beta-thalassemia in the Korean population. Hemoglobin. 2002 May;26(2):135-45. Wakamatsu C et al. Molecular basis of beta-thalassemia in Japan: heterogeneity and origins of mutations. Acta Haematol. 1994;91(3):136-43.

Illumina Laboratory Services, Illumina
Classification: Uncertain significance for Hereditary persistence of fetal hemoglobin. Last evaluated: 2017-04-28. Review status: criteria provided, single submitter. Criteria: ICSL Variant Classification Criteria 13 December 2019. Collection method: clinical testing. Allele origin: germline.

Illumina Laboratory Services, Illumina
Classification: Uncertain significance for Hemoglobin E. Last evaluated: 2017-04-28. Review status: criteria provided, single submitter. Criteria: ICSL Variant Classification Criteria 13 December 2019. Collection method: clinical testing. Allele origin: germline.

Illumina Laboratory Services, Illumina
Classification: Uncertain significance for Beta-thalassemia HBB/LCRB. Last evaluated: 2017-04-28. Review status: criteria provided, single submitter. Criteria: ICSL Variant Classification Criteria 13 December 2019. Collection method: clinical testing. Allele origin: germline.

Illumina Laboratory Services, Illumina
Classification: Uncertain significance for Hb SS disease. Last evaluated: 2017-04-28. Review status: criteria provided, single submitter. Criteria: ICSL Variant Classification Criteria 13 December 2019. Collection method: clinical testing. Allele origin: germline.

Literature cited by the submitters: PubMed 12144056 (cited by Quest Diagnostics Nichols Institute San Juan Capistrano); PubMed 30275481 (cited by Quest Diagnostics Nichols Institute San Juan Capistrano); PubMed 8091935 (cited by Quest Diagnostics Nichols Institute San Juan Capistrano).

NM_000518.5(HBB):c.274C>T (p.Leu92=)

Genes: HBB (hemoglobin subunit beta; minus strand), LOC106099062 (HBB recombination region; plus strand), LOC107133510 (origin of replication at HBB; plus strand). Cytogenetic location: 11p15.4.
Variant type: single nucleotide variant.
Coding change: c.274C>T on transcript NM_000518.5 (MANE Select); coding-DNA position 274, C replaced by T.
Protein change: p.Leu92=; no amino-acid change (leucine 92 retained).
Molecular consequence: synonymous variant.
Genome position (GRCh38, 1-based): chr11:5,226,618, G>A on the plus strand (C>T on the coding strand, the complement: HBB is on the minus strand). VCF-style: chr11-5226618-G-A. GRCh37 (hg19) VCF-style: chr11-5247848-G-A.
Identifiers: ClinVar variation 439144 (VCV000439144.27), dbSNP rs769583496, ClinGen allele CA5839740.